The following is an entry in ClinVar:

ClinVar aggregate classification (germline): Likely benign (1 of 4 stars; one submission).

Allele frequency attached by ClinVar (database versions not stated): 1000 Genomes Project 0.00659; gnomAD 0.00665 and 0.00708; TOPMed 0.00684; 1000 Genomes Project 30x 0.00734.
gnomAD v4.1: 1,441 of 741,826 alleles (0.19%); highest among the groups gnomAD compares: African/African-American, 2.3%; 11 homozygotes.

Submission:

GeneDx
Classification: Likely benign. Last evaluated: 2018-06-14. Review status: criteria provided, single submitter. Criteria: GeneDx Variant Classification (06012015). Collection method: clinical testing. Allele origin: germline. Affected: yes.
Comment: This variant is considered likely benign or benign based on one or more of the following criteria: it is a conservative change, it occurs at a poorly conserved position in the protein, it is predicted to be benign by multiple in silico algorithms, and/or has population frequency not consistent with disease.

NM_001148.6(ANK2):c.483+128C>T

Gene: ANK2 (ankyrin 2; plus strand). Cytogenetic location: 4q26.
Variant type: single nucleotide variant.
Coding change: c.483+128C>T on transcript NM_001148.6 (MANE Select); 128 bases into the intron after coding-DNA position 483, C replaced by T.
Molecular consequence: intron variant.
Genome position (GRCh38, 1-based): chr4:113,232,387, C>T. VCF-style: chr4-113232387-C-T. GRCh37 (hg19) VCF-style: chr4-114153543-C-T.
Other names: c.471+128C>T (NM_001386186.2, NM_001386148.2, NM_001354269.3 and 1 more transcripts); c.465+128C>T (NM_001386147.1, NM_001386160.1, NM_001354261.2); c.420+128C>T (NM_001354254.2, NM_001354239.2, NM_001354252.2 and 33 more transcripts); c.528+128C>T (NM_001354241.2, NM_001386152.1, NM_001354237.2 and 5 more transcripts); c.483+128C>T (NM_001354225.2, NM_001354235.2, NM_001354246.2 and 9 more transcripts); c.534+128C>T (NM_001386174.1, NM_001386175.1).
Identifiers: ClinVar variation 676079 (VCV000676079.1), dbSNP rs72898064, ClinGen allele CA103793652.